The following is an entry in ClinVar:

ClinVar aggregate classification (germline): Uncertain significance. Review status: criteria provided, multiple submitters, no conflicts (2 of 4 stars). 2 submissions from 2 submitters: Uncertain significance (2). Last evaluated 2025-05-30.

Conditions:
Inborn genetic diseases. Identifiers: MedGen C0950123, MeSH D030342.

gnomAD v4.1: 2 of 1,608,282 alleles (0.00012%); highest among the groups gnomAD compares: Admixed American, 0.0033%; no homozygotes.

Submissions (2):

Labcorp Genetics (formerly Invitae), Labcorp
Classification: Uncertain significance. Last evaluated: 2025-05-30. Review status: criteria provided, single submitter. Criteria: Invitae Variant Classification Sherloc (09022015). Collection method: clinical testing. Allele origin: germline.
Comment: This sequence change replaces serine, which is neutral and polar, with glycine, which is neutral and non-polar, at codon 201 of the ASXL1 protein (p.Ser201Gly). This variant is present in population databases (no rsID available, gnomAD 0.003%). This variant has not been reported in the literature in individuals affected with ASXL1-related conditions. ClinVar contains an entry for this variant (Variation ID: 3679008). An algorithm developed to predict the effect of missense changes on protein structure and function (PolyPhen-2) suggests that this variant is likely to be disruptive. In summary, the available evidence is currently insufficient to determine the role of this variant in disease. Therefore, it has been classified as a Variant of Uncertain Significance.

Ambry Genetics
Classification: Uncertain significance for Inborn genetic diseases. Last evaluated: 2025-05-24. Review status: criteria provided, single submitter. Criteria: Ambry Variant Classification Scheme 2023. Collection method: clinical testing. Allele origin: germline.
Comment: The p.S201G variant (also known as c.601A>G), located in coding exon 8 of the ASXL1 gene, results from an A to G substitution at nucleotide position 601. The serine at codon 201 is replaced by glycine, an amino acid with similar properties. This amino acid position is conserved. In addition, this alteration is predicted to be tolerated by in silico analysis. Based on the available evidence, the clinical significance of this variant remains unclear.

NM_015338.6(ASXL1):c.601A>G (p.Ser201Gly)

Gene: ASXL1 (ASXL transcriptional regulator 1; plus strand). Cytogenetic location: 20q11.21.
Variant type: single nucleotide variant.
Coding change: c.601A>G on transcript NM_015338.6 (MANE Select); coding-DNA position 601, A replaced by G.
Protein change: p.Ser201Gly; replaces serine 201 with glycine.
Molecular consequence: missense variant. On other transcripts: intron variant (1).
Genome position (GRCh38, 1-based): chr20:32,429,936, A>G. VCF-style: chr20-32429936-A-G. GRCh37 (hg19) VCF-style: chr20-31017739-A-G.
Other names: c.535+505A>G (NM_001363734.1); short protein forms S201G.
Identifiers: ClinVar variation 3679008 (VCV003679008.3).